The following is an entry in ClinVar:

ClinVar aggregate classification (germline): Conflicting classifications of pathogenicity. Review status: criteria provided, conflicting classifications (1 of 4 stars). 6 submissions from 5 submitters: Uncertain significance (2); Likely benign (4). Last evaluated 2026-01-26.

Conditions:
CDH23-related disorder. Also called: CDH23-related condition; CDH23-related disorders.
Usher syndrome type 1D (USH1D). Also called: USHER SYNDROME, TYPE ID. Identifiers: Orphanet 231169, Orphanet 886, MedGen C1832845, MONDO:0010984, OMIM 601067.
Autosomal recessive nonsyndromic hearing loss 12. Also called: DEAFNESS, AUTOSOMAL RECESSIVE 12. Identifiers: Orphanet 90636, MedGen C1832394, MONDO:0011067, OMIM 601386.

Allele frequency attached by ClinVar (database versions not stated): gnomAD 0.00004 and 0.00007; gnomAD exomes 0.00005; TOPMed 0.00005; ExAC 0.00007; 1000 Genomes Project 30x 0.00016; 1000 Genomes Project 0.00020.
gnomAD v4.1: 61 of 1,613,680 alleles (0.0038%); highest among the groups gnomAD compares: South Asian, 0.031%; no homozygotes.

Submissions (6):

Labcorp Genetics (formerly Invitae), Labcorp
Classification: Likely benign. Last evaluated: 2026-01-26. Review status: criteria provided, single submitter. Criteria: Invitae Variant Classification Sherloc (09022015). Collection method: clinical testing. Allele origin: germline.

PreventionGenetics, part of Exact Sciences
Classification: Likely benign for CDH23-related condition. Last evaluated: 2025-08-04. Review status: criteria provided, single submitter. Criteria: ACMG Guidelines, 2015. Collection method: clinical testing. Allele origin: germline.
Comment: This variant is classified as likely benign based on ACMG/AMP sequence variant interpretation guidelines (Richards et al. 2015 PMID: 25741868, with internal and published modifications).

Blueprint Genetics
Classification: Likely benign. Last evaluated: 2024-03-20. Review status: criteria provided, single submitter. Criteria: ACMG Guidelines, 2015. Collection method: clinical testing. Allele origin: germline.

Illumina Laboratory Services, Illumina
Classification: Uncertain significance for Autosomal recessive nonsyndromic hearing loss 12. Last evaluated: 2018-01-13. Review status: criteria provided, single submitter. Criteria: ICSL Variant Classification Criteria 13 December 2019. Collection method: clinical testing. Allele origin: germline.

Illumina Laboratory Services, Illumina
Classification: Uncertain significance for Usher syndrome type 1D. Last evaluated: 2018-01-13. Review status: criteria provided, single submitter. Criteria: ICSL Variant Classification Criteria 13 December 2019. Collection method: clinical testing. Allele origin: germline.

Laboratory for Molecular Medicine, Mass General Brigham Personalized Medicine
Classification: Likely benign. Last evaluated: 2015-02-26. Review status: criteria provided, single submitter. Criteria: LMM Criteria. Collection method: clinical testing. Allele origin: germline. Observed: 2 variant alleles.
Comment: p.Ile2046Ile in exon 47 of CDH23: This variant is not expected to have clinical significance because it does not alter an amino acid residue and is not located within the splice consensus sequence. It has been identified in 4/15696 South As ian chromosomes by the Exome Aggregation Consortium (ExAC).

NM_022124.6(CDH23):c.6138C>T (p.Ile2046=)

Gene: CDH23 (cadherin related 23; plus strand). Cytogenetic location: 10q22.1.
Variant type: single nucleotide variant.
Coding change: c.6138C>T on transcript NM_022124.6 (MANE Select); coding-DNA position 6138, C replaced by T.
Protein change: p.Ile2046=; no amino-acid change (isoleucine 2046 retained).
Molecular consequence: synonymous variant.
Genome position (GRCh38, 1-based): chr10:71,791,220, C>T. VCF-style: chr10-71791220-C-T. GRCh37 (hg19) VCF-style: chr10-73550977-C-T.
Identifiers: ClinVar variation 227232 (VCV000227232.21), dbSNP rs568741210, ClinGen allele CA5546009.